The following is an entry in ClinVar:

NM_000127.3(EXT1):c.963-1G>C

Gene: EXT1 (exostosin glycosyltransferase 1; minus strand). Cytogenetic location: 8q24.11.
Variant type: single nucleotide variant.
Coding change: c.963-1G>C on transcript NM_000127.3 (MANE Select); the canonical splice acceptor site of the intron before coding-DNA position 963, G replaced by C.
Molecular consequence: splice acceptor variant.
Genome position (GRCh38, 1-based): chr8:117,837,202, C>G on the plus strand (G>C on the coding strand, the complement: EXT1 is on the minus strand). VCF-style: chr8-117837202-C-G. GRCh37 (hg19) VCF-style: chr8-118849441-C-G.
Identifiers: ClinVar variation 432274 (VCV000432274.3), dbSNP rs1554580160, ClinGen allele CA371893409.
Genomic context (GRCh38, chr8:117,837,202, plus strand): 5'-CTGCGACCACGAGGAACCAGACAGAAAGTGGCATTGTGCAGCATTTCCCGATAATCATAC[C>G]TAGAAAGAGAAGAGGAGTAAACAGCAAATGAAGACTCATTGCGAATGTGGGGATATTGAC-3'

ClinVar aggregate classification (germline): Pathogenic (1 of 4 stars; one submission).

Submission:

GeneDx
Classification: Pathogenic. Last evaluated: 2025-01-29. Review status: criteria provided, single submitter. Criteria: GeneDx Variant Classification Process June 2021. Collection method: clinical testing. Allele origin: germline. Affected: yes.
Comment: Has been observed in a patient from a cohort of individuals with multiple osteochondromas and was noted to be paternally inherited; however detailed clinical history was not provided in this report (Borovikov et al. 2024); Borovikov A et al.. Hindawi Human Mutation. 12 February 2024: DOI 10.1155/2024/8849348; Canonical splice site variant predicted to result in a null allele in a gene for which loss of function is a known mechanism of disease; Not observed at significant frequency in large population cohorts (gnomAD); This variant is associated with the following publications: (PMID: Borovikov2024[CaseReport])